The following is an entry in ClinVar:

NM_001384950.1(NLRC5):c.246G>T (p.Val82=)

Gene: NLRC5 (NLR family CARD domain containing 5; plus strand). Cytogenetic location: 16q13.
Variant type: single nucleotide variant.
Coding change: c.246G>T on transcript NM_001384950.1 (MANE Select); coding-DNA position 246, G replaced by T.
Protein change: p.Val82=; no amino-acid change (valine 82 retained).
Molecular consequence: synonymous variant. On other transcripts: non-coding transcript variant (9).
Genome position (GRCh38, 1-based): chr16:57,020,958, G>T. VCF-style: chr16-57020958-G-T. GRCh37 (hg19) VCF-style: chr16-57054870-G-T.
Other names: c.246G>T, p.Val82= (NM_001384967.1, NM_001384968.1, NM_001384969.1 and 22 more transcripts).
Identifiers: ClinVar variation 4822154 (VCV004822154.4).

ClinVar aggregate classification (germline): Likely benign (1 of 4 stars; one submission).

gnomAD v4.1: 2 of 1,613,996 alleles (0.00012%); highest among the groups gnomAD compares: Non-Finnish European, 0.00017%; no homozygotes.

Submission:

CeGaT Center for Human Genetics Tuebingen
Classification: Likely benign. Last evaluated: 2026-03-01. Review status: criteria provided, single submitter. Criteria: CeGaT Center For Human Genetics Tuebingen Variant Classification Criteria Version 2. Collection method: clinical testing. Allele origin: germline. Affected: yes. Observed: 1 variant allele.
Comment: NLRC5: BP4, BP7